The following is an entry in ClinVar:

ClinVar aggregate classification (germline): Uncertain significance. Review status: criteria provided, multiple submitters, no conflicts (2 of 4 stars). 2 submissions from 2 submitters: Uncertain significance (2). Last evaluated 2024-09-27.

Conditions:
Choanal atresia-athelia-hypothyroidism-delayed puberty-short stature syndrome (BCAHH). Also called: BRANCHIAL ARCH ABNORMALITIES, CHOANAL ATRESIA, ATHELIA, HEARING LOSS, AND HYPOTHYROIDISM SYNDROME. Identifiers: Orphanet 589856, MedGen C5680310, MONDO:0035651, OMIM 620186.
Kabuki syndrome 1 (KABUK1). Also called: KMT2D-Related Kabuki Syndrome. Identifiers: Orphanet 2322, MedGen CN030661, MONDO:0007843, OMIM 147920.
Kabuki syndrome. Also called: NIIKAWA-KUROKI SYNDROME; Kabuki make-up syndrome. Identifiers: Orphanet 2322, MedGen C0796004, MONDO:0016512.

Submissions (2):

Labcorp Genetics (formerly Invitae), Labcorp
Classification: Uncertain significance for Kabuki syndrome. Last evaluated: 2024-09-27. Review status: criteria provided, single submitter. Criteria: Invitae Variant Classification Sherloc (09022015). Collection method: clinical testing. Allele origin: germline.
Comment: This sequence change replaces histidine, which is basic and polar, with aspartic acid, which is acidic and polar, at codon 4651 of the KMT2D protein (p.His4651Asp). This variant is not present in population databases (gnomAD no frequency). This variant has not been reported in the literature in individuals affected with KMT2D-related conditions. Invitae Evidence Modeling of protein sequence and biophysical properties (such as structural, functional, and spatial information, amino acid conservation, physicochemical variation, residue mobility, and thermodynamic stability) indicates that this missense variant is not expected to disrupt KMT2D protein function with a negative predictive value of 95%. In summary, the available evidence is currently insufficient to determine the role of this variant in disease. Therefore, it has been classified as a Variant of Uncertain Significance.

Fulgent Genetics
Classification: Uncertain significance for Kabuki syndrome 1; Choanal atresia-athelia-hypothyroidism-delayed puberty-short stature syndrome. Last evaluated: 2024-01-09. Review status: criteria provided, single submitter. Criteria: ACMG Guidelines, 2015. Collection method: clinical testing. Allele origin: germline.

NM_003482.4(KMT2D):c.13951C>G (p.His4651Asp)

Gene: KMT2D (lysine methyltransferase 2D; minus strand). Cytogenetic location: 12q13.12.
Variant type: single nucleotide variant.
Coding change: c.13951C>G on transcript NM_003482.4 (MANE Select); coding-DNA position 13951, C replaced by G.
Protein change: p.His4651Asp; replaces histidine 4651 with aspartic acid.
Molecular consequence: missense variant.
Genome position (GRCh38, 1-based): chr12:49,030,328, G>C on the plus strand (C>G on the coding strand, the complement: KMT2D is on the minus strand). VCF-style: chr12-49030328-G-C. GRCh37 (hg19) VCF-style: chr12-49424111-G-C.
Other names: short protein forms H4651D.
Identifiers: ClinVar variation 3574663 (VCV003574663.3).
Genomic context (GRCh38, chr12:49,030,328, plus strand): 5'-CTCTTGACTTACCCCTCAGTGCCCTTTCACTATCCCGGGCAGAGGCAGCATCCTTGGGGT[G>C]CTCCCCCAGCTCTTCAGATGGGGTGACGCCATTCACCATCTTCTGCTGCACCGATGGGGG-3'
Protein context (NP_003473.3, residues 4641-4661): GVTPSEELGE[His4651Asp]PKDAASARDS